The following is an entry in ClinVar:

NM_001130823.3(DNMT1):c.4630A>T (p.Thr1544Ser)

Genes: DNMT1 (DNA methyltransferase 1; minus strand), LOC126862853 (CDK7 strongly-dependent group 2 enhancer GRCh37_chr19:10246117-10247316; plus strand). Cytogenetic location: 19p13.2.
Variant type: single nucleotide variant.
Coding change: c.4630A>T on transcript NM_001130823.3 (MANE Select); coding-DNA position 4630, A replaced by T.
Protein change: p.Thr1544Ser; replaces threonine 1544 with serine.
Molecular consequence: missense variant.
Genome position (GRCh38, 1-based): chr19:10,136,147, T>A on the plus strand (A>T on the coding strand, the complement: DNMT1 is on the minus strand). VCF-style: chr19-10136147-T-A. GRCh37 (hg19) VCF-style: chr19-10246823-T-A.
Other names: c.4591A>T, p.Thr1531Ser (NM_001318730.2); c.4267A>T, p.Thr1423Ser (NM_001318731.2); c.4582A>T, p.Thr1528Ser (NM_001379.4); short protein forms T1423S, T1528S, T1531S, T1544S.
Identifiers: ClinVar variation 1801007 (VCV001801007.1), dbSNP rs2089477268, ClinGen allele CA403968251.

ClinVar aggregate classification (germline): Uncertain significance (1 of 4 stars; one submission).

Submission:

GeneDx
Classification: Uncertain significance. Last evaluated: 2022-05-27. Review status: criteria provided, single submitter. Criteria: GeneDx Variant Classification Process June 2021. Collection method: clinical testing. Allele origin: germline. Affected: yes.
Comment: Not observed at significant frequency in large population cohorts (gnomAD); In silico analysis supports that this missense variant has a deleterious effect on protein structure/function; Has not been previously published as pathogenic or benign to our knowledge; This variant is associated with the following publications: (PMID: 25942534, 25678562)